The following is an entry in ClinVar:

ClinVar aggregate classification (germline): Uncertain significance. Review status: criteria provided, multiple submitters, no conflicts (2 of 4 stars). 6 submissions from 6 submitters: Uncertain significance (6). Last evaluated 2025-06-18.

Conditions:
Congenital multicore myopathy with external ophthalmoplegia (CMYO1B). Also called: Congenital myopathy 1B, autosomal recessive; Minicore myopathy; MULTICORE MYOPATHY; MULTIMINICORE DISEASE WITH EXTERNAL OPHTHALMOPLEGIA; Minicore myopathy with external ophthalmoplegia. Identifiers: Orphanet 598, Orphanet 98905, MedGen C1850674, MONDO:0009712, OMIM 255320, HP:0003789.
King Denborough syndrome (KDS). Identifiers: MedGen C1840365, MONDO:0020485, OMIM 619542.
Central core myopathy (CMYO1A). Also called: CONGENITAL MYOPATHY 1A, AUTOSOMAL DOMINANT, WITH SUSCEPTIBILITY TO MALIGNANT HYPERTHERMIA; Central core disease; Myopathy, central fibrillar. Identifiers: Orphanet 597, MedGen C5830701, MONDO:0007294, OMIM 117000.
Malignant hyperthermia, susceptibility to, 1 (MHS1). Also called: Anesthesia related hyperthermia; Malignant hyperpyrexia; Fulminating hyperpyrexia; Pharmacogenic myopathy; Malignant hyperthermia suceptibility 1; RYR1-Related Malignant Hyperthermia Susceptibility. Identifiers: Orphanet 423, MedGen C2930980, MONDO:0007783, OMIM 145600.
RYR1-related disorder. Also called: RYR1-related condition; RYR1-related disorders. Identifiers: MedGen CN239331.

Allele frequency attached by ClinVar (database versions not stated): ExAC 0.00001; gnomAD 0.00001.
gnomAD v4.1: 40 of 1,613,872 alleles (0.0025%); highest among the groups gnomAD compares: Admixed American, 0.005%; no homozygotes.

Submissions (6):

Color Diagnostics, LLC DBA Color Health
Classification: Uncertain significance for Malignant hyperthermia, susceptibility to, 1. Last evaluated: 2025-06-18. Review status: criteria provided, single submitter. Criteria: ACMG Guidelines, 2015. Collection method: clinical testing. Allele origin: germline.
Comment: This missense variant replaces arginine with glycine at codon 492 of the RYR1 protein. Computational prediction suggests that this variant may have deleterious impact on protein structure and function. To our knowledge, functional studies have not been reported for this variant. This variant has not been reported in individuals affected with RYR1-related disorders in the literature. This variant has been identified in 5/251494 chromosomes in the general population by the Genome Aggregation Database (gnomAD). The available evidence is insufficient to determine the role of this variant in disease conclusively. Therefore, this variant is classified as a Variant of Uncertain Significance.

Women's Health and Genetics/Laboratory Corporation of America, LabCorp
Classification: Uncertain significance. Last evaluated: 2024-06-20. Review status: criteria provided, single submitter. Criteria: LabCorp Variant Classification Summary - May 2015. Collection method: clinical testing. Allele origin: germline.
Comment: Variant summary: RYR1 c.1474C>G (p.Arg492Gly) results in a non-conservative amino acid change in the encoded protein sequence. Five of five in-silico tools predict a damaging effect of the variant on protein function. The variant allele was found at a frequency of 2e-05 in 251494 control chromosomes (gnomAD). The available data on variant occurrences in the general population are insufficient to allow any conclusion about variant significance. c.1474C>G has been reported in the literature in an individual affected with limb-girdle weakness without strong evidence of causality (Topf_2020). This report does not provide unequivocal conclusions about association of the variant with Myopathy, RYR1-Associated. To our knowledge, no experimental evidence demonstrating an impact on protein function has been reported. The following publication has been ascertained in the context of this evaluation (PMID: 32528171). ClinVar contains an entry for this variant (Variation ID: 2066582). Based on the evidence outlined above, the variant was classified as uncertain significance.

Blueprint Genetics
Classification: Uncertain significance. Last evaluated: 2024-05-13. Review status: criteria provided, single submitter. Criteria: ACMG Guidelines, 2015. Collection method: clinical testing. Allele origin: germline.

Labcorp Genetics (formerly Invitae), Labcorp
Classification: Uncertain significance for RYR1-related disorder. Last evaluated: 2022-08-09. Review status: criteria provided, single submitter. Criteria: Invitae Variant Classification Sherloc (09022015). Collection method: clinical testing. Allele origin: germline.
Comment: This sequence change replaces arginine, which is basic and polar, with glycine, which is neutral and non-polar, at codon 492 of the RYR1 protein (p.Arg492Gly). This variant is present in population databases (rs199826952, gnomAD 0.009%). This missense change has been observed in individual(s) with clinical features of autosomal recessive RYR1-related conditions (Invitae). Advanced modeling of protein sequence and biophysical properties (such as structural, functional, and spatial information, amino acid conservation, physicochemical variation, residue mobility, and thermodynamic stability) performed at Invitae indicates that this missense variant is expected to disrupt RYR1 protein function. In summary, the available evidence is currently insufficient to determine the role of this variant in disease. Therefore, it has been classified as a Variant of Uncertain Significance.

Department of Pathology and Laboratory Medicine, Sinai Health System
Classification: Uncertain significance for Central core myopathy; Malignant hyperthermia, susceptibility to, 1; Congenital multicore myopathy with external ophthalmoplegia; King Denborough syndrome. Last evaluated: 2022-02-09. Review status: criteria provided, single submitter. Criteria: ACMG Guidelines, 2015. Collection method: research. Allele origin: germline.

Revvity Omics, Revvity
Classification: Uncertain significance. Last evaluated: 2020-02-12. Review status: criteria provided, single submitter. Criteria: ACMG Guidelines, 2015. Collection method: clinical testing. Allele origin: germline.

Literature cited by the submitters: PubMed 32528171 (cited by Women's Health and Genetics/Laboratory Corporation of America, LabCorp).

NM_000540.3(RYR1):c.1474C>G (p.Arg492Gly)

Genes: RYR1 (ryanodine receptor 1; plus strand), LOC129391106 (MPRA-validated peak3472 silencer; plus strand). Cytogenetic location: 19q13.2.
Variant type: single nucleotide variant.
Coding change: c.1474C>G on transcript NM_000540.3 (MANE Select); coding-DNA position 1474, C replaced by G.
Protein change: p.Arg492Gly; replaces arginine 492 with glycine.
Molecular consequence: missense variant.
Genome position (GRCh38, 1-based): chr19:38,455,268, C>G. VCF-style: chr19-38455268-C-G. GRCh37 (hg19) VCF-style: chr19-38945908-C-G.
Other names: c.1474C>G, p.Arg492Gly (NM_001042723.2); short protein forms R492G.
Identifiers: ClinVar variation 2066582 (VCV002066582.8), dbSNP rs199826952, ClinGen allele CA061580.